The following is an entry in ClinVar:

NM_001111020.3(SUPT5H):c.2901G>C (p.Thr967=)

Gene: SUPT5H (SPT5 homolog, DSIF elongation factor subunit; plus strand). Cytogenetic location: 19q13.2.
Variant type: single nucleotide variant.
Coding change: c.2901G>C on transcript NM_001111020.3 (MANE Select); coding-DNA position 2901, G replaced by C.
Protein change: p.Thr967=; no amino-acid change (threonine 967 retained).
Molecular consequence: synonymous variant.
Genome position (GRCh38, 1-based): chr19:39,474,595, G>C. VCF-style: chr19-39474595-G-C. GRCh37 (hg19) VCF-style: chr19-39965235-G-C.
Other names: c.2901G>C, p.Thr967= (NM_001130824.2, NM_001319990.2, NM_003169.4); c.2889G>C, p.Thr963= (NM_001130825.2, NM_001319991.2).
Identifiers: ClinVar variation 2649837 (VCV002649837.24), dbSNP rs138311423, ClinGen allele CA308234344.
Genomic context (GRCh38, chr19:39,474,595, plus strand): 5'-CGTTGGCTACAGTCCTATGACACCTGGAGCTCCCTCCCCTGGTGGCTACAACCCACACAC[G>C]CCAGGCTCAGGCATCGAGCAGAACTCCAGCGACTGGGTAACCACTGACATTCAGGTGAAG-3'
Protein context (NP_001104490.1, residues 957-977): APSPGGYNPH[Thr967=]PGSGIEQNSS

ClinVar aggregate classification (germline): Likely benign (1 of 4 stars; one submission).

gnomAD v4.1: 8 of 1,614,082 alleles (0.0005%); highest among the groups gnomAD compares: Non-Finnish European, 0.00068%; no homozygotes.

Submission:

CeGaT Center for Human Genetics Tuebingen
Classification: Likely benign. Last evaluated: 2022-05-01. Review status: criteria provided, single submitter. Criteria: CeGaT Center For Human Genetics Tuebingen Variant Classification Criteria Version 2. Collection method: clinical testing. Allele origin: germline. Affected: yes. Observed: 1 variant allele.
Comment: SUPT5H: BP4, BP7